The following is an entry in ClinVar:

ClinVar aggregate classification (germline): Uncertain significance (1 of 4 stars; one submission).

gnomAD v4.1: 25 of 1,614,014 alleles (0.0015%); highest among the groups gnomAD compares: Non-Finnish European, 0.002%; no homozygotes.

Submission:

Mayo Clinic Laboratories, Mayo Clinic
Classification: Uncertain significance. Last evaluated: 2025-11-01. Review status: criteria provided, single submitter. Criteria: ACMG Guidelines, 2015. Collection method: clinical testing. Allele origin: germline. Observed: 1 variant allele.
Comment: BP4_moderate

NM_005559.4(LAMA1):c.4537C>T (p.Pro1513Ser)

Gene: LAMA1 (laminin subunit alpha 1; minus strand). Cytogenetic location: 18p11.31.
Variant type: single nucleotide variant.
Coding change: c.4537C>T on transcript NM_005559.4 (MANE Select); coding-DNA position 4537, C replaced by T.
Protein change: p.Pro1513Ser; replaces proline 1513 with serine.
Molecular consequence: missense variant.
Genome position (GRCh38, 1-based): chr18:6,999,571, G>A on the plus strand (C>T on the coding strand, the complement: LAMA1 is on the minus strand). VCF-style: chr18-6999571-G-A. GRCh37 (hg19) VCF-style: chr18-6999570-G-A.
Other names: p.Pro1513Ser; short protein forms P1513S.
Identifiers: ClinVar variation 4542245 (VCV004542245.1).